The following is an entry in ClinVar:

NM_000038.6(APC):c.2693A>G (p.His898Arg)

Gene: APC (APC regulator of Wnt signaling pathway; plus strand). Cytogenetic location: 5q22.2.
Variant type: single nucleotide variant.
Coding change: c.2693A>G on transcript NM_000038.6 (MANE Select); coding-DNA position 2693, A replaced by G.
Protein change: p.His898Arg; replaces histidine 898 with arginine.
Molecular consequence: missense variant.
Genome position (GRCh38, 1-based): chr5:112,838,287, A>G. VCF-style: chr5-112838287-A-G. GRCh37 (hg19) VCF-style: chr5-112173984-A-G.
Other names: c.2693A>G, p.His898Arg (NM_001127510.3, NM_001354895.2); c.2639A>G, p.His880Arg (NM_001127511.3); c.2747A>G, p.His916Arg (NM_001354896.2); c.2723A>G, p.His908Arg (NM_001354897.2); c.2618A>G, p.His873Arg (NM_001354898.2); c.2609A>G, p.His870Arg (NM_001354899.2); c.2570A>G, p.His857Arg (NM_001354900.2); c.2516A>G, p.His839Arg (NM_001354901.2); and 5 more; short protein forms H807R, H908R, H916R, H870R, H772R, H797R, H857R, H615R.
Identifiers: ClinVar variation 966332 (VCV000966332.17), dbSNP rs1580625883, ClinGen allele CA16027210.

ClinVar aggregate classification (germline): Uncertain significance. Review status: criteria provided, multiple submitters, no conflicts (2 of 4 stars). 5 submissions from 5 submitters: Uncertain significance (5). Last evaluated 2025-08-13.

Conditions:
Classic or attenuated familial adenomatous polyposis. Identifiers: MedGen CN372698, MONDO:0021057.
Hereditary cancer-predisposing syndrome. Also called: Hereditary neoplastic syndrome; Neoplastic Syndromes, Hereditary; Hereditary Cancer Syndrome; Tumor predisposition. Identifiers: Orphanet 140162, MedGen C0027672, MeSH D009386, MONDO:0015356.
Familial adenomatous polyposis 1 (FAP1). Also called: POLYPOSIS, ADENOMATOUS INTESTINAL; FAMILIAL ADENOMATOUS POLYPOSIS 1, ATTENUATED. Identifiers: MedGen C2713442, MONDO:0021056, OMIM 175100. Disease mechanism: loss of function.

Submissions (5):

Ambry Genetics
Classification: Uncertain significance for Hereditary cancer-predisposing syndrome. Last evaluated: 2025-08-13. Review status: criteria provided, single submitter. Criteria: Ambry Variant Classification Scheme 2023. Collection method: clinical testing. Allele origin: germline.
Comment: The p.H898R variant (also known as c.2693A>G), located in coding exon 15 of the APC gene, results from an A to G substitution at nucleotide position 2693. The histidine at codon 898 is replaced by arginine, an amino acid with highly similar properties. This amino acid position is conserved. In addition, in silico predictors for this gene do not accurately predict pathogenicity. Missense alterations in APC are not a common cause of disease (Spier I et al. Genet Med. 2024 Feb;26(2):100992). Since supporting evidence is limited at this time, the clinical significance of this alteration remains unclear.

Labcorp Genetics (formerly Invitae), Labcorp
Classification: Uncertain significance for Familial adenomatous polyposis 1. Last evaluated: 2024-08-14. Review status: criteria provided, single submitter. Criteria: Invitae Variant Classification Sherloc (09022015). Collection method: clinical testing. Allele origin: germline.
Comment: This sequence change replaces histidine, which is basic and polar, with arginine, which is basic and polar, at codon 898 of the APC protein (p.His898Arg). This variant is not present in population databases (gnomAD no frequency). This variant has not been reported in the literature in individuals affected with APC-related conditions. ClinVar contains an entry for this variant (Variation ID: 966332). Invitae Evidence Modeling of protein sequence and biophysical properties (such as structural, functional, and spatial information, amino acid conservation, physicochemical variation, residue mobility, and thermodynamic stability) indicates that this missense variant is not expected to disrupt APC protein function with a negative predictive value of 95%. In summary, the available evidence is currently insufficient to determine the role of this variant in disease. Therefore, it has been classified as a Variant of Uncertain Significance.

Baylor Genetics
Classification: Uncertain significance for Familial adenomatous polyposis 1. Last evaluated: 2024-03-21. Review status: criteria provided, single submitter. Criteria: ACMG Guidelines, 2015. Collection method: clinical testing. Allele origin: unknown.

All of Us Research Program, National Institutes of Health
Classification: Uncertain significance for Classic or attenuated familial adenomatous polyposis. Last evaluated: 2023-06-26. Review status: criteria provided, single submitter. Criteria: ACMG Guidelines, 2015. Collection method: clinical testing. Allele origin: germline. Inheritance: Autosomal dominant inheritance. Observed: 1 variant allele, 1 heterozygote.
Comment: This missense variant replaces histidine with arginine at codon 898 of the APC protein. Computational prediction suggests that this variant may have deleterious impact on protein structure and function (internally defined REVEL score threshold >= 0.7, PMID: 27666373). To our knowledge, functional studies have not been reported for this variant. This variant has not been reported in individuals affected with APC-related disorders in the literature. This variant has not been identified in the general population by the Genome Aggregation Database (gnomAD). The available evidence is insufficient to determine the role of this variant in disease conclusively. Therefore, this variant is classified as a Variant of Uncertain Significance.

This study involves interpretation of variants in research participants for the purpose of population health screening. Participant phenotype was not available at the time of variant classification. Additional details can be found in publication PMID: 35346344, PMCID: PMC8962531

Color Diagnostics, LLC DBA Color Health
Classification: Uncertain significance for Hereditary cancer-predisposing syndrome. Last evaluated: 2023-01-13. Review status: criteria provided, single submitter. Criteria: ACMG Guidelines, 2015. Collection method: clinical testing. Allele origin: germline.
Comment: This missense variant replaces histidine with arginine at codon 898 of the APC protein. Computational prediction suggests that this variant may have deleterious impact on protein structure and function (internally defined REVEL score threshold >= 0.7, PMID: 27666373). To our knowledge, functional studies have not been reported for this variant. This variant has not been reported in individuals affected with APC-related disorders in the literature. This variant has not been identified in the general population by the Genome Aggregation Database (gnomAD). The available evidence is insufficient to determine the role of this variant in disease conclusively. Therefore, this variant is classified as a Variant of Uncertain Significance.